The following is an entry in ClinVar:

ClinVar aggregate classification (germline): Uncertain significance (1 of 4 stars; one submission).

Conditions:
Congenital myasthenic syndrome 10. Also called: Myasthenia, limb-girdle, familial. Identifiers: Orphanet 590, MedGen C1850792, MONDO:0009690, OMIM 254300.
Fetal akinesia deformation sequence 1 (FADS1). Also called: Fetal akinesia sequence; Pena-Shokeir syndrome type I. Identifiers: Orphanet 994, MedGen C1276035, MONDO:0100101, OMIM 208150, HP:0001989.

Allele frequency attached by ClinVar (database versions not stated): gnomAD exomes 0.00001.
gnomAD v4.1: 3 of 1,592,102 alleles (0.00019%); highest among the groups gnomAD compares: Admixed American, 0.0035%; no homozygotes.

Submission:

Labcorp Genetics (formerly Invitae), Labcorp
Classification: Uncertain significance for Congenital myasthenic syndrome 10; Fetal akinesia deformation sequence 1. Last evaluated: 2020-08-20. Review status: criteria provided, single submitter. Criteria: Invitae Variant Classification Sherloc (09022015). Collection method: clinical testing. Allele origin: germline.
Comment: In summary, the available evidence is currently insufficient to determine the role of this variant in disease. Therefore, it has been classified as a Variant of Uncertain Significance. Algorithms developed to predict the effect of missense changes on protein structure and function are either unavailable or do not agree on the potential impact of this missense change (SIFT: "Tolerated"; PolyPhen-2: "Possibly Damaging"; Align-GVGD: "Class C0"). This variant is not present in population databases (ExAC no frequency). This variant has not been reported in the literature in individuals with DOK7-related conditions. This sequence change replaces alanine with proline at codon 380 of the DOK7 protein (p.Ala380Pro). The alanine residue is weakly conserved and there is a small physicochemical difference between alanine and proline.

NM_173660.5(DOK7):c.1138G>C (p.Ala380Pro)

Gene: DOK7 (docking protein 7; plus strand). Cytogenetic location: 4p16.3.
Variant type: single nucleotide variant.
Coding change: c.1138G>C on transcript NM_173660.5 (MANE Select); coding-DNA position 1138, G replaced by C.
Protein change: p.Ala380Pro; replaces alanine 380 with proline.
Molecular consequence: missense variant. On other transcripts: 3 prime UTR variant (1).
Genome position (GRCh38, 1-based): chr4:3,493,124, G>C. VCF-style: chr4-3493124-G-C. GRCh37 (hg19) VCF-style: chr4-3494851-G-C.
Other names: c.*359G>C (NM_001164673.2); c.208G>C, p.Ala70Pro (NM_001256896.2); c.1138G>C, p.Ala380Pro (NM_001301071.2); c.706G>C, p.Ala236Pro (NM_001363811.2); short protein forms A236P, A380P, A70P.
Identifiers: ClinVar variation 1014928 (VCV001014928.9), dbSNP rs760412846, ClinGen allele CA356117423.